The following is an entry in ClinVar:

NM_181534.4(KRT25):c.214C>T (p.Arg72Trp)

Gene: KRT25 (keratin 25; minus strand). Cytogenetic location: 17q21.2.
Variant type: single nucleotide variant.
Coding change: c.214C>T on transcript NM_181534.4 (MANE Select); coding-DNA position 214, C replaced by T.
Protein change: p.Arg72Trp; replaces arginine 72 with tryptophan.
Molecular consequence: missense variant.
Genome position (GRCh38, 1-based): chr17:40,755,058, G>A on the plus strand (C>T on the coding strand, the complement: KRT25 is on the minus strand). VCF-style: chr17-40755058-G-A. GRCh37 (hg19) VCF-style: chr17-38911310-G-A.
Other names: c.214C>T (NM_181534.3); short protein forms R72W.
Identifiers: ClinVar variation 2749527 (VCV002749527.5), dbSNP rs141965826, ClinGen allele CA8546445.

ClinVar aggregate classification (germline): Likely benign. Review status: criteria provided, single submitter (1 of 4 stars). 2 submissions from 2 submitters: Likely benign (1). 1 of the submissions does not count toward it. Last evaluated 2025-09-06.

Conditions:
KRT25-related disorder. Also called: KRT25-related condition.

Allele frequency attached by ClinVar (database versions not stated): ESP Exome Variant Server 0.00023; gnomAD 0.00046; TOPMed 0.00042; 1000 Genomes Project 0.00060; 1000 Genomes Project 30x 0.00062.

Submissions (2):

Labcorp Genetics (formerly Invitae), Labcorp
Classification: Likely benign. Last evaluated: 2025-09-06. Review status: criteria provided, single submitter. Criteria: Invitae Variant Classification Sherloc (09022015). Collection method: clinical testing. Allele origin: germline.

PreventionGenetics, part of Exact Sciences
Classification: Likely benign for KRT25-related condition. Last evaluated: 2022-04-01. Review status: no assertion criteria provided. Collection method: clinical testing. Allele origin: germline. Not counted in ClinVar's aggregate classification.
Comment: This variant is classified as likely benign based on ACMG/AMP sequence variant interpretation guidelines (Richards et al. 2015 PMID: 25741868, with internal and published modifications).